The following is an entry in ClinVar:

NM_001330691.3(CEP78):c.697A>T (p.Thr233Ser)

Gene: CEP78 (centrosomal protein 78; plus strand). Cytogenetic location: 9q21.2.
Variant type: single nucleotide variant.
Coding change: c.697A>T on transcript NM_001330691.3 (MANE Select); coding-DNA position 697, A replaced by T.
Protein change: p.Thr233Ser; replaces threonine 233 with serine.
Molecular consequence: missense variant.
Genome position (GRCh38, 1-based): chr9:78,243,555, A>T. VCF-style: chr9-78243555-A-T. GRCh37 (hg19) VCF-style: chr9-80858471-A-T.
Other names: c.697A>T, p.Thr233Ser (NM_001098802.3, NM_001330693.3, NM_001330694.2 and 4 more transcripts); short protein forms T233S.
Identifiers: ClinVar variation 2110839 (VCV002110839.4), dbSNP rs1826332817, ClinGen allele CA374000581.

ClinVar aggregate classification (germline): Uncertain significance (1 of 4 stars; one submission).

Allele frequency attached by ClinVar (database versions not stated): TOPMed below 0.00001.

Submission:

Labcorp Genetics (formerly Invitae), Labcorp
Classification: Uncertain significance. Last evaluated: 2022-03-13. Review status: criteria provided, single submitter. Criteria: Invitae Variant Classification Sherloc (09022015). Collection method: clinical testing. Allele origin: germline.
Comment: This variant has not been reported in the literature in individuals affected with CEP78-related conditions. In summary, the available evidence is currently insufficient to determine the role of this variant in disease. Therefore, it has been classified as a Variant of Uncertain Significance. Algorithms developed to predict the effect of missense changes on protein structure and function output the following: SIFT: "Tolerated"; PolyPhen-2: "Probably Damaging"; Align-GVGD: "Class C0". The serine amino acid residue is found in multiple mammalian species, which suggests that this missense change does not adversely affect protein function. This variant is not present in population databases (gnomAD no frequency). This sequence change replaces threonine, which is neutral and polar, with serine, which is neutral and polar, at codon 233 of the CEP78 protein (p.Thr233Ser).